The following is an entry in ClinVar:

ClinVar aggregate classification (germline): Benign/Likely benign. Review status: criteria provided, multiple submitters, no conflicts (2 of 4 stars). 3 submissions from 3 submitters: Benign (1); Likely benign (1). 1 of the submissions does not count toward it. Last evaluated 2026-01-12.

Conditions:
FCSK-related disorder. Also called: FCSK-related condition.

Allele frequency attached by ClinVar (database versions not stated): 1000 Genomes Project 0.00060; 1000 Genomes Project 30x 0.00062; TOPMed 0.00256; ESP Exome Variant Server 0.00334; gnomAD 0.00420 and 0.00435; gnomAD exomes 0.00454; ExAC 0.00512.
gnomAD v4.1: 7,188 of 1,614,184 alleles (0.45%); highest among the groups gnomAD compares: Non-Finnish European, 0.5%; 31 homozygotes.

Submissions (3):

Labcorp Genetics (formerly Invitae), Labcorp
Classification: Benign. Last evaluated: 2026-01-12. Review status: criteria provided, single submitter. Criteria: Invitae Variant Classification Sherloc (09022015). Collection method: clinical testing. Allele origin: germline.

CeGaT Center for Human Genetics Tuebingen
Classification: Likely benign. Last evaluated: 2025-12-01. Review status: criteria provided, single submitter. Criteria: CeGaT Center For Human Genetics Tuebingen Variant Classification Criteria Version 2. Collection method: clinical testing. Allele origin: germline. Affected: yes. Observed: 4 variant alleles.
Comment: FCSK: BS2

PreventionGenetics, part of Exact Sciences
Classification: Benign for FCSK-related condition. Last evaluated: 2019-06-11. Review status: no assertion criteria provided. Collection method: clinical testing. Allele origin: germline. Not counted in ClinVar's aggregate classification.
Comment: This variant is classified as benign based on ACMG/AMP sequence variant interpretation guidelines (Richards et al. 2015 PMID: 25741868, with internal and published modifications).

NM_145059.3(FCSK):c.2701C>T (p.Arg901Trp)

Gene: FCSK (fucose kinase; plus strand). Cytogenetic location: 16q22.1.
Variant type: single nucleotide variant.
Coding change: c.2701C>T on transcript NM_145059.3 (MANE Select); coding-DNA position 2701, C replaced by T.
Protein change: p.Arg901Trp; replaces arginine 901 with tryptophan.
Molecular consequence: missense variant.
Genome position (GRCh38, 1-based): chr16:70,478,331, C>T. VCF-style: chr16-70478331-C-T. GRCh37 (hg19) VCF-style: chr16-70512234-C-T.
Other names: c.2701C>T (NM_145059.2); short protein forms R901W.
Identifiers: ClinVar variation 1682399 (VCV001682399.37), dbSNP rs17881635, ClinGen allele CA8143710.